The following is an entry in ClinVar:

NM_001939.3(DRP2):c.292G>C (p.Glu98Gln)

Gene: DRP2 (dystrophin related protein 2; plus strand). Cytogenetic location: Xq22.1.
Variant type: single nucleotide variant.
Coding change: c.292G>C on transcript NM_001939.3 (MANE Select); coding-DNA position 292, G replaced by C.
Protein change: p.Glu98Gln; replaces glutamic acid 98 with glutamine.
Molecular consequence: missense variant.
Genome position (GRCh38, 1-based): chrX:101,237,629, G>C. VCF-style: chrX-101237629-G-C. GRCh37 (hg19) VCF-style: chrX-100492618-G-C.
Other names: c.58G>C, p.Glu20Gln (NM_001171184.2); short protein forms E20Q, E98Q.
Identifiers: ClinVar variation 1970606 (VCV001970606.5), dbSNP rs2523061737, ClinGen allele CA413911857.

ClinVar aggregate classification (germline): Uncertain significance (1 of 4 stars; one submission).

Submission:

Labcorp Genetics (formerly Invitae), Labcorp
Classification: Uncertain significance. Last evaluated: 2022-05-30. Review status: criteria provided, single submitter. Criteria: Invitae Variant Classification Sherloc (09022015). Collection method: clinical testing. Allele origin: germline.
Comment: In summary, the available evidence is currently insufficient to determine the role of this variant in disease. Therefore, it has been classified as a Variant of Uncertain Significance. Algorithms developed to predict the effect of missense changes on protein structure and function are either unavailable or do not agree on the potential impact of this missense change (SIFT: "Deleterious"; PolyPhen-2: "Probably Damaging"; Align-GVGD: "Class C0"). This variant has not been reported in the literature in individuals affected with DRP2-related conditions. This variant is not present in population databases (gnomAD no frequency). This sequence change replaces glutamic acid, which is acidic and polar, with glutamine, which is neutral and polar, at codon 98 of the DRP2 protein (p.Glu98Gln).